The following is an entry in ClinVar:

ClinVar aggregate classification (germline): Uncertain significance. Review status: criteria provided, multiple submitters, no conflicts (2 of 4 stars). 2 submissions from 2 submitters: Uncertain significance (2). Last evaluated 2023-07-05.

Conditions:
Retinitis pigmentosa 12 (RP12). Also called: RP WITH OR WITHOUT PPRPE; RP WITH OR WITHOUT PRESERVED PARAARTERIOLE RETINAL PIGMENT EPITHELIUM; RETINITIS PIGMENTOSA WITH OR WITHOUT PARAARTERIOLAR PRESERVATION OF RETINAL PIGMENT EPITHELIUM. Identifiers: Orphanet 791, MedGen C1838647, MONDO:0010818, OMIM 600105.
Leber congenital amaurosis 8 (LCA8). Identifiers: Orphanet 65, MedGen C3151202, MONDO:0013453, OMIM 613835.

Allele frequency attached by ClinVar (database versions not stated): gnomAD 0.00001; ExAC 0.00002; gnomAD exomes 0.00003; TOPMed 0.00003.
gnomAD v4.1: 37 of 1,596,918 alleles (0.0023%); highest among the groups gnomAD compares: Admixed American, 0.0067%; no homozygotes.

Submissions (2):

Labcorp Genetics (formerly Invitae), Labcorp
Classification: Uncertain significance for Leber congenital amaurosis 8; Retinitis pigmentosa 12. Last evaluated: 2023-07-05. Review status: criteria provided, single submitter. Criteria: Invitae Variant Classification Sherloc (09022015). Collection method: clinical testing. Allele origin: germline.
Comment: Advanced modeling of protein sequence and biophysical properties (such as structural, functional, and spatial information, amino acid conservation, physicochemical variation, residue mobility, and thermodynamic stability) has been performed at Invitae for this missense variant, however the output from this modeling did not meet the statistical confidence thresholds required to predict the impact of this variant on CRB1 protein function. ClinVar contains an entry for this variant (Variation ID: 2075555). This variant has not been reported in the literature in individuals affected with CRB1-related conditions. This variant is present in population databases (rs765649762, gnomAD 0.003%). This sequence change replaces glutamic acid, which is acidic and polar, with lysine, which is basic and polar, at codon 396 of the CRB1 protein (p.Glu396Lys). In summary, the available evidence is currently insufficient to determine the role of this variant in disease. Therefore, it has been classified as a Variant of Uncertain Significance.

Blueprint Genetics
Classification: Uncertain significance. Last evaluated: 2022-08-26. Review status: criteria provided, single submitter. Criteria: ACMG Guidelines, 2015. Collection method: clinical testing. Allele origin: germline.

NM_201253.3(CRB1):c.1186G>A (p.Glu396Lys)

Gene: CRB1 (crumbs cell polarity complex component 1; plus strand). Cytogenetic location: 1q31.3.
Variant type: single nucleotide variant.
Coding change: c.1186G>A on transcript NM_201253.3 (MANE Select); coding-DNA position 1186, G replaced by A.
Protein change: p.Glu396Lys; replaces glutamic acid 396 with lysine.
Molecular consequence: missense variant. On other transcripts: non-coding transcript variant (2).
Genome position (GRCh38, 1-based): chr1:197,421,014, G>A. VCF-style: chr1-197421014-G-A. GRCh37 (hg19) VCF-style: chr1-197390144-G-A.
Other names: c.850G>A, p.Glu284Lys (NM_001193640.2); c.979G>A, p.Glu327Lys (NM_001257965.2); c.1186G>A, p.Glu396Lys (NM_001257966.2); short protein forms E327K, E396K, E284K.
Identifiers: ClinVar variation 2075555 (VCV002075555.3), dbSNP rs765649762, ClinGen allele CA1311881.